The following is an entry in ClinVar:

ClinVar aggregate classification (germline): Uncertain significance (1 of 4 stars; one submission).

Conditions:
Neuronopathy, distal hereditary motor, autosomal recessive 5. Also called: Spinal muscular atrophy, distal, autosomal recessive, 5; NEUROPATHY, DISTAL HEREDITARY MOTOR, AUTOSOMAL RECESSIVE 5; Young adult-onset distal hereditary motor neuropathy. Identifiers: Orphanet 314485, Orphanet 443950, MedGen C4749918, MONDO:0013947, OMIM 614881.

Allele frequency attached by ClinVar (database versions not stated): gnomAD 0.00001; gnomAD exomes below 0.00001; TOPMed below 0.00001.
gnomAD v4.1: 6 of 1,613,900 alleles (0.00037%); highest among the groups gnomAD compares: Non-Finnish European, 0.00051%; no homozygotes.

Submission:

Labcorp Genetics (formerly Invitae), Labcorp
Classification: Uncertain significance for Neuronopathy, distal hereditary motor, autosomal recessive 5. Last evaluated: 2022-08-10. Review status: criteria provided, single submitter. Criteria: Invitae Variant Classification Sherloc (09022015). Collection method: clinical testing. Allele origin: germline.
Comment: This variant is present in population databases (no rsID available, gnomAD 0.0009%). In summary, the available evidence is currently insufficient to determine the role of this variant in disease. Therefore, it has been classified as a Variant of Uncertain Significance. Algorithms developed to predict the effect of sequence changes on RNA splicing suggest that this variant may create or strengthen a splice site. Algorithms developed to predict the effect of missense changes on protein structure and function are either unavailable or do not agree on the potential impact of this missense change (SIFT: "Tolerated"; PolyPhen-2: "Probably Damaging"; Align-GVGD: "Class C0"). ClinVar contains an entry for this variant (Variation ID: 1473430). This variant has not been reported in the literature in individuals affected with DNAJB2-related conditions. This sequence change replaces asparagine, which is neutral and polar, with tyrosine, which is neutral and polar, at codon 187 of the DNAJB2 protein (p.Asn187Tyr).

NM_006736.6(DNAJB2):c.559A>T (p.Asn187Tyr)

Gene: DNAJB2 (DnaJ heat shock protein family (Hsp40) member B2; plus strand). Cytogenetic location: 2q35.
Variant type: single nucleotide variant.
Coding change: c.559A>T on transcript NM_006736.6 (MANE Select); coding-DNA position 559, A replaced by T.
Protein change: p.Asn187Tyr; replaces asparagine 187 with tyrosine.
Molecular consequence: missense variant.
Genome position (GRCh38, 1-based): chr2:219,283,429, A>T. VCF-style: chr2-219283429-A-T. GRCh37 (hg19) VCF-style: chr2-220148151-A-T.
Other names: c.559A>T, p.Asn187Tyr (NM_001039550.2); short protein forms N187Y.
Identifiers: ClinVar variation 1473430 (VCV001473430.6), dbSNP rs1487966162, ClinGen allele CA350650777.